The following is an entry in ClinVar:

NM_020719.3(PRR12):c.1082G>A (p.Arg361Gln)

Gene: PRR12 (proline rich 12; plus strand). Cytogenetic location: 19q13.33.
Variant type: single nucleotide variant.
Coding change: c.1082G>A on transcript NM_020719.3 (MANE Select); coding-DNA position 1082, G replaced by A.
Protein change: p.Arg361Gln; replaces arginine 361 with glutamine.
Molecular consequence: missense variant.
Genome position (GRCh38, 1-based): chr19:49,595,417, G>A. VCF-style: chr19-49595417-G-A. GRCh37 (hg19) VCF-style: chr19-50098674-G-A.
Other names: short protein forms R361Q.
Identifiers: ClinVar variation 2634223 (VCV002634223.1), dbSNP rs1228879244, ClinGen allele CA406860206.

ClinVar aggregate classification (germline): Uncertain significance (1 of 4 stars; one submission).

Conditions:
PRR12-related disorder. Also called: PRR12-related condition.

Allele frequency attached by ClinVar (database versions not stated): gnomAD 0.00001; gnomAD exomes 0.00002; TOPMed 0.00002.
gnomAD v4.1: 24 of 1,545,376 alleles (0.0016%); highest among the groups gnomAD compares: Admixed American, 0.018%; no homozygotes.

Submission:

PreventionGenetics, part of Exact Sciences
Classification: Uncertain significance for PRR12-related condition. Last evaluated: 2023-01-03. Review status: criteria provided, single submitter. Criteria: ACMG Guidelines, 2015. Collection method: clinical testing. Allele origin: germline.
Comment: The PRR12 c.1082G>A variant is predicted to result in the amino acid substitution p.Arg361Gln. To our knowledge, this variant has not been reported in the literature. This variant is reported in 0.028% of alleles in individuals of Latino descent in gnomAD. Although we suspect that this variant may be benign, at this time, the clinical significance of this variant is uncertain due to the absence of conclusive functional and genetic evidence.